The following is an entry in ClinVar:

ClinVar aggregate classification (germline): Uncertain significance. Review status: criteria provided, multiple submitters, no conflicts (2 of 4 stars). 2 submissions from 2 submitters: Uncertain significance (2). Last evaluated 2023-12-12.

Conditions:
Retinal dystrophy. Also called: Inherited retinal dystrophy. Identifiers: Orphanet 71862, MedGen C0854723, MeSH D058499, MONDO:0019118, HP:0000556.

Submissions (2):

Labcorp Genetics (formerly Invitae), Labcorp
Classification: Uncertain significance. Last evaluated: 2023-12-12. Review status: criteria provided, single submitter. Criteria: Invitae Variant Classification Sherloc (09022015). Collection method: clinical testing. Allele origin: germline.
Comment: This sequence change replaces proline, which is neutral and non-polar, with serine, which is neutral and polar, at codon 1091 of the PCARE protein (p.Pro1091Ser). This variant is not present in population databases (gnomAD no frequency). This variant has not been reported in the literature in individuals affected with PCARE-related conditions. ClinVar contains an entry for this variant (Variation ID: 1354424). Algorithms developed to predict the effect of missense changes on protein structure and function output the following: SIFT: "Not Available"; PolyPhen-2: "Benign"; Align-GVGD: "Not Available". The serine amino acid residue is found in multiple mammalian species, which suggests that this missense change does not adversely affect protein function. In summary, the available evidence is currently insufficient to determine the role of this variant in disease. Therefore, it has been classified as a Variant of Uncertain Significance.

Dept Of Ophthalmology, Nagoya University
Classification: Uncertain significance for Retinal dystrophy. Last evaluated: 2023-10-01. Review status: criteria provided, single submitter. Criteria: Submitter's publication. Collection method: research. Allele origin: germline. Affected: yes.

NM_001029883.3(PCARE):c.3271C>T (p.Pro1091Ser)

Gene: PCARE (photoreceptor cilium actin regulator; minus strand). Cytogenetic location: 2p23.2.
Variant type: single nucleotide variant.
Coding change: c.3271C>T on transcript NM_001029883.3 (MANE Select); coding-DNA position 3271, C replaced by T.
Protein change: p.Pro1091Ser; replaces proline 1091 with serine.
Molecular consequence: missense variant.
Genome position (GRCh38, 1-based): chr2:29,070,991, G>A on the plus strand (C>T on the coding strand, the complement: PCARE is on the minus strand). VCF-style: chr2-29070991-G-A. GRCh37 (hg19) VCF-style: chr2-29293857-G-A.
Other names: short protein forms P1091S.
Identifiers: ClinVar variation 1354424 (VCV001354424.7), dbSNP rs775685036, ClinGen allele CA346475464.